The following is an entry in ClinVar:

ClinVar aggregate classification (germline): Uncertain significance. Review status: criteria provided, single submitter (1 of 4 stars). 2 submissions from 2 submitters: Uncertain significance (1). 1 of the submissions does not count toward it. Last evaluated 2022-08-23.

Conditions:
Immunodeficiency 104. Also called: Severe combined immunodeficiency, autosomal recessive, T cell-negative, B cell-positive, NK cell-positive; Severe Combined Immune Deficiency, Autosomal Recessive, TCell -Negative, B Cell-Positive, NK Cell-Positive, IL7R-Related; SCID, AUTOSOMAL RECESSIVE, T CELL-NEGATIVE, B CELL-POSITIVE, NK CELL-POSITIVE; IMMUNODEFICIENCY 104, SEVERE COMBINED. Identifiers: MedGen C5676890, MONDO:0012163, OMIM 608971.

Allele frequency attached by ClinVar (database versions not stated): gnomAD 0.00001; gnomAD exomes 0.00003; TOPMed 0.00003; ExAC 0.00004.
gnomAD v4.1: 50 of 1,613,810 alleles (0.0031%); highest among the groups gnomAD compares: Admixed American, 0.005%; no homozygotes.

Submissions (2):

Labcorp Genetics (formerly Invitae), Labcorp
Classification: Uncertain significance for Immunodeficiency 104. Last evaluated: 2022-08-23. Review status: criteria provided, single submitter. Criteria: Invitae Variant Classification Sherloc (09022015). Collection method: clinical testing. Allele origin: germline.
Comment: This sequence change replaces proline, which is neutral and non-polar, with leucine, which is neutral and non-polar, at codon 197 of the IL7R protein (p.Pro197Leu). This variant is present in population databases (rs587778404, gnomAD 0.005%). This variant has not been reported in the literature in individuals affected with IL7R-related conditions. ClinVar contains an entry for this variant (Variation ID: 134527). Advanced modeling of protein sequence and biophysical properties (such as structural, functional, and spatial information, amino acid conservation, physicochemical variation, residue mobility, and thermodynamic stability) performed at Invitae indicates that this missense variant is expected to disrupt IL7R protein function. In summary, the available evidence is currently insufficient to determine the role of this variant in disease. Therefore, it has been classified as a Variant of Uncertain Significance.

ITMI
No classification provided. Condition: AllHighlyPenetrant. Last evaluated: 2013-09-19. Review status: no classification provided. Collection method: reference population. Allele origin: germline. Not counted in ClinVar's aggregate classification.
Comment: Please see associated publication for description of ethnicities

Literature cited by the submitters: PubMed 24728327 (cited by ITMI).

NM_002185.5(IL7R):c.590C>T (p.Pro197Leu)

Gene: IL7R (interleukin 7 receptor; plus strand). Cytogenetic location: 5p13.2.
Variant type: single nucleotide variant.
Coding change: c.590C>T on transcript NM_002185.5 (MANE Select); coding-DNA position 590, C replaced by T.
Protein change: p.Pro197Leu; replaces proline 197 with leucine.
Molecular consequence: missense variant.
Genome position (GRCh38, 1-based): chr5:35,873,532, C>T. VCF-style: chr5-35873532-C-T. GRCh37 (hg19) VCF-style: chr5-35873634-C-T.
Other names: short protein forms P197L.
Identifiers: ClinVar variation 134527 (VCV000134527.8), dbSNP rs587778404, ClinGen allele CA160096.